The following is an entry in ClinVar:

NM_000038.6(APC):c.5090C>T (p.Thr1697Ile)

Gene: APC (APC regulator of Wnt signaling pathway; plus strand). Cytogenetic location: 5q22.2.
Variant type: single nucleotide variant.
Coding change: c.5090C>T on transcript NM_000038.6 (MANE Select); coding-DNA position 5090, C replaced by T.
Protein change: p.Thr1697Ile; replaces threonine 1697 with isoleucine.
Molecular consequence: missense variant. On other transcripts: non-coding transcript variant (2).
Genome position (GRCh38, 1-based): chr5:112,840,684, C>T. VCF-style: chr5-112840684-C-T. GRCh37 (hg19) VCF-style: chr5-112176381-C-T.
Other names: c.5090C>T (NM_000038.5); c.5090C>T, p.Thr1697Ile (NM_001127510.3, NM_001354895.2, NM_001407450.1); c.5036C>T, p.Thr1679Ile (NM_001127511.3); c.5144C>T, p.Thr1715Ile (NM_001354896.2, NM_001407447.1, NM_001407448.1 and 1 more transcripts); c.5120C>T, p.Thr1707Ile (NM_001354897.2); c.5015C>T, p.Thr1672Ile (NM_001354898.2); c.5006C>T, p.Thr1669Ile (NM_001354899.2); c.4967C>T, p.Thr1656Ile (NM_001354900.2); and 12 more; short protein forms T1606I, T1414I, T1614I, T1313I, T1669I, T1656I, T1672I, T1679I.
Identifiers: ClinVar variation 2707798 (VCV002707798.4), dbSNP rs1369698235, ClinGen allele CA16032461.

ClinVar aggregate classification (germline): Uncertain significance. Review status: criteria provided, multiple submitters, no conflicts (2 of 4 stars). 2 submissions from 2 submitters: Uncertain significance (2). Last evaluated 2026-05-19.

Conditions:
Hereditary cancer-predisposing syndrome. Also called: Tumor predisposition; Hereditary neoplastic syndrome; Neoplastic Syndromes, Hereditary; Hereditary Cancer Syndrome. Identifiers: Orphanet 140162, MedGen C0027672, MeSH D009386, MONDO:0015356.
Familial adenomatous polyposis 1 (FAP1). Also called: FAMILIAL ADENOMATOUS POLYPOSIS 1, ATTENUATED; POLYPOSIS, ADENOMATOUS INTESTINAL. Identifiers: MedGen C2713442, MONDO:0021056, OMIM 175100. Disease mechanism: loss of function.

Allele frequency attached by ClinVar (database versions not stated): gnomAD exomes below 0.00001.
gnomAD v4.1: 2 of 1,614,044 alleles (0.00012%); highest among the groups gnomAD compares: East Asian, 0.0022%; no homozygotes.

Submissions (2):

Ambry Genetics
Classification: Uncertain significance for Hereditary cancer-predisposing syndrome. Last evaluated: 2026-05-19. Review status: criteria provided, single submitter. Criteria: Ambry Variant Classification Scheme 2023. Collection method: clinical testing. Allele origin: germline.
Comment: The p.T1697I variant (also known as c.5090C>T), located in coding exon 15 of the APC gene, results from a C to T substitution at nucleotide position 5090. The threonine at codon 1697 is replaced by isoleucine, an amino acid with similar properties. This amino acid position is conserved. In addition, in silico predictors for this gene do not accurately predict pathogenicity. Based on the available evidence, the clinical significance of this variant remains unclear.

Labcorp Genetics (formerly Invitae), Labcorp
Classification: Uncertain significance for Familial adenomatous polyposis 1. Last evaluated: 2023-06-10. Review status: criteria provided, single submitter. Criteria: Invitae Variant Classification Sherloc (09022015). Collection method: clinical testing. Allele origin: germline.
Comment: In summary, the available evidence is currently insufficient to determine the role of this variant in disease. Therefore, it has been classified as a Variant of Uncertain Significance. Advanced modeling of protein sequence and biophysical properties (such as structural, functional, and spatial information, amino acid conservation, physicochemical variation, residue mobility, and thermodynamic stability) performed at Invitae indicates that this missense variant is not expected to disrupt APC protein function. This variant has not been reported in the literature in individuals affected with APC-related conditions. This variant is present in population databases (no rsID available, gnomAD 0.0009%). This sequence change replaces threonine, which is neutral and polar, with isoleucine, which is neutral and non-polar, at codon 1697 of the APC protein (p.Thr1697Ile).